The following is an entry in ClinVar:

NC_000012.11:g.110231398_(110231828_110232133)del

Gene: TRPV4 (transient receptor potential cation channel subfamily V member 4; minus strand).
Variant type: Deletion.
Identifiers: ClinVar variation 4687564 (VCV004687564.1).

ClinVar aggregate classification (germline): Uncertain significance (1 of 4 stars; one submission).

Submission:

Women's Health and Genetics/Laboratory Corporation of America, LabCorp
Classification: Uncertain significance. Last evaluated: 2025-10-06. Review status: criteria provided, single submitter. Criteria: LabCorp Variant Classification Summary - May 2015. Collection method: clinical testing. Allele origin: germline.
Comment: Variant summary: The variant involves the full deletion of exon 9 and a part of exon 10 in the TRPV4 gene. A presumed nomenclature of c.(1491+1_1492-1)_1592del has been designated for the purposes of this classification. This Copy Number Variant (CNV) involves a partial deletion of exon 10. This CNV spans a canonical splice-site and therefore predicted to result in loss-of-function. However, current evidence is not sufficient to establish loss of function as a mechanism for disease. The variant was absent in 120780 control chromosomes in the gnomAD database (Structural Variants v4.1 dataset). The available data on variant occurrences in the general population are insufficient to allow any conclusion about variant significance. To our knowledge, no occurrence of c.(1491+1_1492-1)_1592del in individuals affected with TRPV4-related conditions and no experimental evidence demonstrating its impact on protein function have been reported. No submitters have cited clinical-significance assessments for this variant to ClinVar. Based on the evidence outlined above, the variant was classified as uncertain significance.